The following is an entry in ClinVar:

NM_002857.4(PEX19):c.424G>C (p.Asp142His)

Gene: PEX19 (peroxisomal biogenesis factor 19; minus strand). Cytogenetic location: 1q23.2.
Variant type: single nucleotide variant.
Coding change: c.424G>C on transcript NM_002857.4 (MANE Select); coding-DNA position 424, G replaced by C.
Protein change: p.Asp142His; replaces aspartic acid 142 with histidine.
Molecular consequence: missense variant. On other transcripts: non-coding transcript variant (1).
Genome position (GRCh38, 1-based): chr1:160,282,425, C>G on the plus strand (G>C on the coding strand, the complement: PEX19 is on the minus strand). VCF-style: chr1-160282425-C-G. GRCh37 (hg19) VCF-style: chr1-160252215-C-G.
Other names: c.424G>C, p.Asp142His (NM_001193644.1); short protein forms D142H.
Identifiers: ClinVar variation 857653 (VCV000857653.8), dbSNP rs778927500, ClinGen allele CA1197371.

ClinVar aggregate classification (germline): Uncertain significance (1 of 4 stars; one submission).

Conditions:
Peroxisome biogenesis disorder 12A (Zellweger). Also called: Peroxisome biogenesis disorder 12A. Identifiers: Orphanet 912, MedGen C3554002, MONDO:0013951, OMIM 614886.

Allele frequency attached by ClinVar (database versions not stated): TOPMed below 0.00001; gnomAD exomes 0.00001; ExAC 0.00002.
gnomAD v4.1: 3 of 1,613,616 alleles (0.00019%); highest among the groups gnomAD compares: Non-Finnish European, 0.00025%; no homozygotes.

Submission:

Labcorp Genetics (formerly Invitae), Labcorp
Classification: Uncertain significance for Peroxisome biogenesis disorder 12A (Zellweger). Last evaluated: 2019-12-17. Review status: criteria provided, single submitter. Criteria: Invitae Variant Classification Sherloc (09022015). Collection method: clinical testing. Allele origin: germline.
Comment: This variant has not been reported in the literature in individuals with PEX19-related conditions. This variant is present in population databases (rs778927500, ExAC 0.003%). This sequence change replaces aspartic acid with histidine at codon 142 of the PEX19 protein (p.Asp142His). The aspartic acid residue is weakly conserved and there is a moderate physicochemical difference between aspartic acid and histidine. In summary, the available evidence is currently insufficient to determine the role of this variant in disease. Therefore, it has been classified as a Variant of Uncertain Significance. Algorithms developed to predict the effect of missense changes on protein structure and function are either unavailable or do not agree on the potential impact of this missense change (SIFT: "Tolerated"; PolyPhen-2: "Possibly Damaging"; Align-GVGD: "Class C0").